The following is an entry in ClinVar:

ClinVar aggregate classification (germline): Uncertain significance (1 of 4 stars; one submission).

Conditions:
Emery-Dreifuss muscular dystrophy 5, autosomal dominant (EDMD5). Also called: EMERY-DREIFUSS MUSCULAR DYSTROPHY 5. Identifiers: Orphanet 261, MedGen C2751805, MONDO:0013072, OMIM 612999.

Allele frequency attached by ClinVar (database versions not stated): gnomAD 0.00001; TOPMed 0.00001.
gnomAD v4.1: 59 of 1,613,672 alleles (0.0037%); highest among the groups gnomAD compares: Non-Finnish European, 0.0047%; no homozygotes.

Submission:

Labcorp Genetics (formerly Invitae), Labcorp
Classification: Uncertain significance for Emery-Dreifuss muscular dystrophy 5, autosomal dominant. Last evaluated: 2023-08-04. Review status: criteria provided, single submitter. Criteria: Invitae Variant Classification Sherloc (09022015). Collection method: clinical testing. Allele origin: germline.
Comment: This variant has not been reported in the literature in individuals affected with SYNE2-related conditions. This variant is not present in population databases (gnomAD no frequency). This sequence change replaces glutamic acid, which is acidic and polar, with glycine, which is neutral and non-polar, at codon 2105 of the SYNE2 protein (p.Glu2105Gly). ClinVar contains an entry for this variant (Variation ID: 2048960). In summary, the available evidence is currently insufficient to determine the role of this variant in disease. Therefore, it has been classified as a Variant of Uncertain Significance. An algorithm developed to predict the effect of missense changes on protein structure and function (PolyPhen-2) suggests that this variant is likely to be tolerated.

NM_182914.3(SYNE2):c.6314A>G (p.Glu2105Gly)

Gene: SYNE2 (spectrin repeat containing nuclear envelope protein 2; plus strand). Cytogenetic location: 14q23.2.
Variant type: single nucleotide variant.
Coding change: c.6314A>G on transcript NM_182914.3 (MANE Select); coding-DNA position 6314, A replaced by G.
Protein change: p.Glu2105Gly; replaces glutamic acid 2105 with glycine.
Molecular consequence: missense variant.
Genome position (GRCh38, 1-based): chr14:64,026,640, A>G. VCF-style: chr14-64026640-A-G. GRCh37 (hg19) VCF-style: chr14-64493358-A-G.
Other names: c.6314A>G, p.Glu2105Gly (NM_015180.6); short protein forms E2105G.
Identifiers: ClinVar variation 2048960 (VCV002048960.4), dbSNP rs1001575658, ClinGen allele CA261815963.